The following is an entry in ClinVar:

ClinVar aggregate classification (germline): Uncertain significance. Review status: criteria provided, multiple submitters, no conflicts (2 of 4 stars). 2 submissions from 2 submitters: Uncertain significance (2). Last evaluated 2022-04-07.

Conditions:
Inborn genetic diseases. Identifiers: MedGen C0950123, MeSH D030342.

Allele frequency attached by ClinVar (database versions not stated): gnomAD 0.00011 and 0.00015; TOPMed 0.00012; ExAC 0.00023; ESP Exome Variant Server 0.00023; gnomAD exomes 0.00023; 1000 Genomes Project 30x 0.00047; 1000 Genomes Project 0.00060.
gnomAD v4.1: 272 of 1,614,064 alleles (0.017%); highest among the groups gnomAD compares: East Asian, 0.32%; no homozygotes.

Submissions (2):

Labcorp Genetics (formerly Invitae), Labcorp
Classification: Uncertain significance. Last evaluated: 2022-04-07. Review status: criteria provided, single submitter. Criteria: Invitae Variant Classification Sherloc (09022015). Collection method: clinical testing. Allele origin: germline.
Comment: This sequence change replaces alanine, which is neutral and non-polar, with threonine, which is neutral and polar, at codon 2100 of the DNAH9 protein (p.Ala2100Thr). This variant is present in population databases (rs3744577, gnomAD 0.2%). This variant has not been reported in the literature in individuals affected with DNAH9-related conditions. Algorithms developed to predict the effect of missense changes on protein structure and function output the following: SIFT: "Deleterious"; PolyPhen-2: "Benign"; Align-GVGD: "Class C0". The threonine amino acid residue is found in multiple mammalian species, which suggests that this missense change does not adversely affect protein function. In summary, the available evidence is currently insufficient to determine the role of this variant in disease. Therefore, it has been classified as a Variant of Uncertain Significance.

Ambry Genetics
Classification: Uncertain significance for Inborn genetic diseases. Last evaluated: 2021-08-02. Review status: criteria provided, single submitter. Criteria: Ambry Variant Classification Scheme 2023. Collection method: clinical testing. Allele origin: germline.

NM_001372.4(DNAH9):c.6298G>A (p.Ala2100Thr)

Gene: DNAH9 (dynein axonemal heavy chain 9; plus strand). Cytogenetic location: 17p12.
Variant type: single nucleotide variant.
Coding change: c.6298G>A on transcript NM_001372.4 (MANE Select); coding-DNA position 6298, G replaced by A.
Protein change: p.Ala2100Thr; replaces alanine 2100 with threonine.
Molecular consequence: missense variant.
Genome position (GRCh38, 1-based): chr17:11,744,983, G>A. VCF-style: chr17-11744983-G-A. GRCh37 (hg19) VCF-style: chr17-11648300-G-A.
Other names: c.6298G>A (NM_001372.3); short protein forms A2100T.
Identifiers: ClinVar variation 1349866 (VCV001349866.6), dbSNP rs3744577, ClinGen allele CA8396268.